The following is an entry in ClinVar:

ClinVar aggregate classification (germline): Uncertain significance. Review status: criteria provided, multiple submitters, no conflicts (2 of 4 stars). 4 submissions from 4 submitters: Uncertain significance (4). Last evaluated 2025-10-08.

Conditions:
Inborn genetic diseases. Identifiers: MedGen C0950123, MeSH D030342.

Allele frequency attached by ClinVar (database versions not stated): gnomAD 0.00001; TOPMed 0.00001; ESP Exome Variant Server 0.00008.
gnomAD v4.1: 5 of 1,571,656 alleles (0.00032%); highest among the groups gnomAD compares: Non-Finnish European, 0.00035%; no homozygotes.

Submissions (4):

Ambry Genetics
Classification: Uncertain significance for Inborn genetic diseases. Last evaluated: 2025-10-08. Review status: criteria provided, single submitter. Criteria: Ambry Variant Classification Scheme 2023. Collection method: clinical testing. Allele origin: germline.

GeneDx
Classification: Uncertain significance. Last evaluated: 2024-07-12. Review status: criteria provided, single submitter. Criteria: GeneDx Variant Classification Process June 2021. Collection method: clinical testing. Allele origin: germline. Affected: yes.
Comment: Not observed at significant frequency in large population cohorts (gnomAD); In silico analysis indicates that this missense variant does not alter protein structure/function; Has not been previously published as pathogenic or benign to our knowledge

Blueprint Genetics
Classification: Uncertain significance. Last evaluated: 2021-10-27. Review status: criteria provided, single submitter. Criteria: ACMG Guidelines, 2015. Collection method: clinical testing. Allele origin: germline.

Labcorp Genetics (formerly Invitae), Labcorp
Classification: Uncertain significance. Last evaluated: 2021-09-17. Review status: criteria provided, single submitter. Criteria: Invitae Variant Classification Sherloc (09022015). Collection method: clinical testing. Allele origin: germline.
Comment: This sequence change replaces glutamic acid with aspartic acid at codon 1585 of the COL11A2 protein (p.Glu1585Asp). The glutamic acid residue is highly conserved and there is a small physicochemical difference between glutamic acid and aspartic acid. This variant is not present in population databases (ExAC no frequency). This variant has not been reported in the literature in individuals affected with COL11A2-related conditions. ClinVar contains an entry for this variant (Variation ID: 432630). Advanced modeling of protein sequence and biophysical properties (such as structural, functional, and spatial information, amino acid conservation, physicochemical variation, residue mobility, and thermodynamic stability) performed at Invitae indicates that this missense variant is not expected to disrupt COL11A2 protein function. In summary, the available evidence is currently insufficient to determine the role of this variant in disease. Therefore, it has been classified as a Variant of Uncertain Significance.

NM_080680.3(COL11A2):c.4755G>C (p.Glu1585Asp)

Gene: COL11A2 (collagen type XI alpha 2 chain; minus strand). Cytogenetic location: 6p21.32.
Variant type: single nucleotide variant.
Coding change: c.4755G>C on transcript NM_080680.3 (MANE Select); coding-DNA position 4755, G replaced by C.
Protein change: p.Glu1585Asp; replaces glutamic acid 1585 with aspartic acid.
Molecular consequence: missense variant.
Genome position (GRCh38, 1-based): chr6:33,164,960, C>G on the plus strand (G>C on the coding strand, the complement: COL11A2 is on the minus strand). VCF-style: chr6-33164960-C-G. GRCh37 (hg19) VCF-style: chr6-33132737-C-G.
Other names: c.4434G>C, p.Glu1478Asp (NM_080679.3); c.4497G>C, p.Glu1499Asp (NM_080681.3); short protein forms E1585D, E1499D, E1478D.
Identifiers: ClinVar variation 432630 (VCV000432630.9), dbSNP rs140553708, ClinGen allele CA137061756.